The following is an entry in ClinVar:

NM_201253.3(CRB1):c.2223G>A (p.Met741Ile)

Gene: CRB1 (crumbs cell polarity complex component 1; plus strand). Cytogenetic location: 1q31.3.
Variant type: single nucleotide variant.
Coding change: c.2223G>A on transcript NM_201253.3 (MANE Select); coding-DNA position 2223, G replaced by A.
Protein change: p.Met741Ile; replaces methionine 741 with isoleucine.
Molecular consequence: missense variant. On other transcripts: non-coding transcript variant (2), intron variant (1).
Genome position (GRCh38, 1-based): chr1:197,427,548, G>A. VCF-style: chr1-197427548-G-A. GRCh37 (hg19) VCF-style: chr1-197396678-G-A.
Other names: c.1887G>A, p.Met629Ile (NM_001193640.2); c.2016G>A, p.Met672Ile (NM_001257965.2); c.2128+5592G>A (NM_001257966.2); short protein forms M629I, M672I, M741I.
Identifiers: ClinVar variation 1026568 (VCV001026568.10), dbSNP rs1664649489, ClinGen allele CA344036700.

ClinVar aggregate classification (germline): Likely pathogenic (1 of 4 stars; one submission).

Conditions:
Retinitis pigmentosa 12 (RP12). Also called: RP WITH OR WITHOUT PRESERVED PARAARTERIOLE RETINAL PIGMENT EPITHELIUM; RETINITIS PIGMENTOSA WITH OR WITHOUT PARAARTERIOLAR PRESERVATION OF RETINAL PIGMENT EPITHELIUM; RP WITH OR WITHOUT PPRPE. Identifiers: Orphanet 791, MedGen C1838647, MONDO:0010818, OMIM 600105.
Leber congenital amaurosis 8 (LCA8). Identifiers: Orphanet 65, MedGen C3151202, MONDO:0013453, OMIM 613835.

Submission:

Labcorp Genetics (formerly Invitae), Labcorp
Classification: Likely pathogenic for Leber congenital amaurosis 8; Retinitis pigmentosa 12. Last evaluated: 2022-11-29. Review status: criteria provided, single submitter. Criteria: Invitae Variant Classification Sherloc (09022015). Collection method: clinical testing. Allele origin: germline.
Comment: Advanced modeling of protein sequence and biophysical properties (such as structural, functional, and spatial information, amino acid conservation, physicochemical variation, residue mobility, and thermodynamic stability) performed at Invitae indicates that this missense variant is expected to disrupt CRB1 protein function. In summary, the currently available evidence indicates that the variant is pathogenic, but additional data are needed to prove that conclusively. Therefore, this variant has been classified as Likely Pathogenic. This variant disrupts the p.Met741 amino acid residue in CRB1. Other variant(s) that disrupt this residue have been determined to be pathogenic (PMID: 15024725, 20956273, 22065545). This suggests that this residue is clinically significant, and that variants that disrupt this residue are likely to be disease-causing. ClinVar contains an entry for this variant (Variation ID: 1026568). This missense change has been observed in individual(s) with clinical features of CRB1-related conditions (Invitae). This variant is not present in population databases (gnomAD no frequency). This sequence change replaces methionine, which is neutral and non-polar, with isoleucine, which is neutral and non-polar, at codon 741 of the CRB1 protein (p.Met741Ile).

Literature cited by the submitters: PubMed 15024725; PubMed 20956273; PubMed 22065545.